The following is an entry in ClinVar:

NM_006765.4(TUSC3):c.266T>C (p.Met89Thr)

Gene: TUSC3 (tumor suppressor candidate 3; plus strand). Cytogenetic location: 8p22.
Variant type: single nucleotide variant.
Coding change: c.266T>C on transcript NM_006765.4 (MANE Select); coding-DNA position 266, T replaced by C.
Protein change: p.Met89Thr; replaces methionine 89 with threonine.
Molecular consequence: missense variant.
Genome position (GRCh38, 1-based): chr8:15,623,207, T>C. VCF-style: chr8-15623207-T-C. GRCh37 (hg19) VCF-style: chr8-15480716-T-C.
Other names: c.266T>C, p.Met89Thr (NM_001356429.2, NM_178234.2); short protein forms M89T.
Identifiers: ClinVar variation 587950 (VCV000587950.5), dbSNP rs767169040, ClinGen allele CA370389912.
Genomic context (GRCh38, chr8:15,623,207, plus strand): 5'-ATGGTGATAAATTCCGAAAATTTATAAAGGCACCACCTCGAAACTATTCCATGATTGTTA[T>C]GTTCACTGCTCTTCAGCCTCAGCGGCAGTGTTCTGTGTGCAGGTAATTTATGTAATTAAA-3'
Protein context (NP_006756.2, residues 79-99): APPRNYSMIV[Met89Thr]FTALQPQRQC

ClinVar aggregate classification (germline): Uncertain significance (1 of 4 stars; one submission).

Conditions:
Inborn genetic diseases. Identifiers: MedGen C0950123, MeSH D030342.

gnomAD v4.1: 2 of 1,612,570 alleles (0.00012%); highest among the groups gnomAD compares: East Asian, 0.0022%; no homozygotes.

Submission:

Ambry Genetics
Classification: Uncertain significance for Inborn genetic diseases. Last evaluated: 2016-06-20. Review status: criteria provided, single submitter. Criteria: Ambry Variant Classification Scheme 2023. Collection method: clinical testing. Allele origin: germline.
Comment: The p.M89T variant (also known as c.266T>C), located in coding exon 2 of the TUSC3 gene, results from a T to C substitution at nucleotide position 266. The methionine at codon 89 is replaced by threonine, an amino acid with similar properties. This variant was not reported in population based cohorts in the following databases: Database of Single Nucleotide Polymorphisms (dbSNP), NHLBI Exome Sequencing Project (ESP), and 1000 Genomes Project. In the ESP, this variant was not observed in 6503 samples (13006 alleles) with coverage at this position. This amino acid position is highly conserved in available vertebrate species. In addition, the in silico prediction for this alteration is inconclusive. Since supporting evidence is limited at this time, the clinical significance of this variant remains unclear.